The following is an entry in ClinVar:

NM_015001.3(SPEN):c.10840G>A (p.Val3614Ile)

Gene: SPEN (spen family transcriptional repressor; plus strand). Cytogenetic location: 1p36.13.
Variant type: single nucleotide variant.
Coding change: c.10840G>A on transcript NM_015001.3 (MANE Select); coding-DNA position 10840, G replaced by A.
Protein change: p.Val3614Ile; replaces valine 3614 with isoleucine.
Molecular consequence: missense variant.
Genome position (GRCh38, 1-based): chr1:15,938,853, G>A. VCF-style: chr1-15938853-G-A. GRCh37 (hg19) VCF-style: chr1-16265348-G-A.
Other names: short protein forms V3614I.
Identifiers: ClinVar variation 4281094 (VCV004281094.7).
Genomic context (GRCh38, chr1:15,938,853, plus strand): 5'-TCCCTCAAGGCTGCCTTCATCACTTACCTGCAGGCCAAGCAGGCGGCAGGGATCATCAAC[G>A]TTCCCAACCCTGGCTCCAATCAGGTCGGTTGTCCTGTGTCCTTCCTTCACATGTACACCC-3'
Protein context (NP_055816.2, residues 3604-3624): QAKQAAGIIN[Val3614Ile]PNPGSNQPAY

ClinVar aggregate classification (germline): Likely benign (1 of 4 stars; one submission).

gnomAD v4.1: 107 of 1,613,818 alleles (0.0066%); highest among the groups gnomAD compares: Admixed American, 0.037%; 1 homozygote.

Submission:

CeGaT Center for Human Genetics Tuebingen
Classification: Likely benign. Last evaluated: 2025-09-01. Review status: criteria provided, single submitter. Criteria: CeGaT Center For Human Genetics Tuebingen Variant Classification Criteria Version 2. Collection method: clinical testing. Allele origin: germline. Affected: yes. Observed: 1 variant allele.
Comment: SPEN: BS1